The following is an entry in ClinVar:

ClinVar aggregate classification (germline): Uncertain significance. Review status: criteria provided, multiple submitters, no conflicts (2 of 4 stars). 3 submissions from 3 submitters: Uncertain significance (3). Last evaluated 2026-04-09.

Conditions:
Cardiovascular phenotype. Identifiers: MedGen CN230736.
Noonan syndrome 4 (NS4). Also called: SOS1-Related Noonan Syndrome; NOONAN SYNDROME WITH PIGMENTED VILLONODULAR SYNOVITIS. Identifiers: Orphanet 648, MedGen C1853120, MONDO:0012547, OMIM 610733.

Submissions (3):

Ambry Genetics
Classification: Uncertain significance for Cardiovascular phenotype. Last evaluated: 2026-04-09. Review status: criteria provided, single submitter. Criteria: Ambry Variant Classification Scheme 2023. Collection method: clinical testing. Allele origin: germline.
Comment: The p.D1100Y variant (also known as c.3298G>T), located in coding exon 20 of the SOS1 gene, results from a G to T substitution at nucleotide position 3298. The aspartic acid at codon 1100 is replaced by tyrosine, an amino acid with highly dissimilar properties. This variant was reported in individual(s) with features consistent with congenital diaphragmatic hernia (Scott TM et al. J Med Genet, 2022 Mar;59:270-278). This amino acid position is highly conserved in available vertebrate species. In addition, this alteration is predicted to be deleterious by in silico analysis. Based on the available evidence, the clinical significance of this variant remains unclear.

CeGaT Center for Human Genetics Tuebingen
Classification: Uncertain significance. Last evaluated: 2024-08-01. Review status: criteria provided, single submitter. Criteria: CeGaT Center For Human Genetics Tuebingen Variant Classification Criteria Version 2. Collection method: clinical testing. Allele origin: germline. Affected: yes. Observed: 1 variant allele.
Comment: SOS1: PM2:Supporting

Daryl Scott Lab, Baylor College of Medicine
Classification: Uncertain significance for Noonan syndrome 4. Last evaluated: 2020-11-11. Review status: criteria provided, single submitter. Criteria: ACMG Guidelines, 2015. Collection method: clinical testing. Allele origin: unknown. Observed: 1 variant allele.

Literature cited by the submitters: PubMed 33461977 (cited by Ambry Genetics and Daryl Scott Lab, Baylor College of Medicine).

NM_005633.4(SOS1):c.3298G>T (p.Asp1100Tyr)

Gene: SOS1 (SOS Ras/Rac guanine nucleotide exchange factor 1; minus strand). Cytogenetic location: 2p22.1.
Variant type: single nucleotide variant.
Coding change: c.3298G>T on transcript NM_005633.4 (MANE Select); coding-DNA position 3298, G replaced by T.
Protein change: p.Asp1100Tyr; replaces aspartic acid 1100 with tyrosine.
Molecular consequence: missense variant.
Genome position (GRCh38, 1-based): chr2:38,995,171, C>A on the plus strand (G>T on the coding strand, the complement: SOS1 is on the minus strand). VCF-style: chr2-38995171-C-A. GRCh37 (hg19) VCF-style: chr2-39222312-C-A.
Other names: c.3298G>T (NM_005633.3); c.3277G>T, p.Asp1093Tyr (NM_001382394.1); c.3298G>T, p.Asp1100Tyr (NM_001382395.1); short protein forms D1093Y, D1100Y.
Identifiers: ClinVar variation 987886 (VCV000987886.18), dbSNP rs1668850707, ClinGen allele CA346360410.
Genomic context (GRCh38, chr2:38,995,171, plus strand): 5'-TTTTGCACCTACTTGAGTGAAAAGGGCTCGAATGATCGGAATCAAATACACTGCAAACAT[C>A]TGTGGTACTGGAAGCACCAGAAGCAGGCGGAGGTGTTAACGGTGTTCTTGGAGAATTTGG-3'
Protein context (NP_005624.2, residues 1090-1110): PPASGASSTT[Asp1100Tyr]VCSVFDSDHS